The following is an entry in ClinVar:

NM_004656.4(BAP1):c.1125A>C (p.Glu375Asp)

Gene: BAP1 (BRCA1 associated deubiquitinase 1; minus strand). Cytogenetic location: 3p21.1.
Variant type: single nucleotide variant.
Coding change: c.1125A>C on transcript NM_004656.4 (MANE Select); coding-DNA position 1125, A replaced by C.
Protein change: p.Glu375Asp; replaces glutamic acid 375 with aspartic acid.
Molecular consequence: missense variant.
Genome position (GRCh38, 1-based): chr3:52,404,578, T>G on the plus strand (A>C on the coding strand, the complement: BAP1 is on the minus strand). VCF-style: chr3-52404578-T-G. GRCh37 (hg19) VCF-style: chr3-52438594-T-G.
Other names: c.1071A>C, p.Glu357Asp (NM_001410772.1); short protein forms E357D, E375D.
Identifiers: ClinVar variation 2047705 (VCV002047705.5), dbSNP rs2471333747, ClinGen allele CA353103461.
Genomic context (GRCh38, chr3:52,404,578, plus strand): 5'-TGAGTACTGCTGGGGTGGGCGGACTGGAACTCGGCTGCGGCCCACACCTGCCGCCAGGTC[T>G]TCTTCCTCCTGGGACAAAGACCAGGGCAGTTACAAACAAGTGCTGCTCGGCCCAGGCTGA-3'
Protein context (NP_004647.1, residues 365-385): NYAKSPMQEE[Glu375Asp]DLAAGVGRSR

ClinVar aggregate classification (germline): Uncertain significance. Review status: criteria provided, multiple submitters, no conflicts (2 of 4 stars). 2 submissions from 2 submitters: Uncertain significance (2). Last evaluated 2024-04-19.

Conditions:
Hereditary cancer-predisposing syndrome. Also called: Hereditary neoplastic syndrome; Neoplastic Syndromes, Hereditary; Tumor predisposition; Hereditary Cancer Syndrome. Identifiers: Orphanet 140162, MedGen C0027672, MeSH D009386, MONDO:0015356.
BAP1-related tumor predisposition syndrome (TPDS1). Also called: BAP1 tumor predisposition syndrome; Tumor susceptibility linked to germline BAP1 mutations; TUMOR PREDISPOSITION SYNDROME 1; COMMON Syndrome. Identifiers: Orphanet 289539, MedGen C3280492, MONDO:0013692, OMIM 614327.

Submissions (2):

Ambry Genetics
Classification: Uncertain significance for Hereditary cancer-predisposing syndrome. Last evaluated: 2024-04-19. Review status: criteria provided, single submitter. Criteria: Ambry Variant Classification Scheme 2023. Collection method: clinical testing. Allele origin: germline.
Comment: The p.E375D variant (also known as c.1125A>C), located in coding exon 12 of the BAP1 gene, results from an A to C substitution at nucleotide position 1125. The glutamic acid at codon 375 is replaced by aspartic acid, an amino acid with highly similar properties. This amino acid position is conserved. In addition, this alteration is predicted to be tolerated by in silico analysis. Based on the available evidence, the clinical significance of this variant remains unclear.

Labcorp Genetics (formerly Invitae), Labcorp
Classification: Uncertain significance for BAP1-related tumor predisposition syndrome. Last evaluated: 2022-10-20. Review status: criteria provided, single submitter. Criteria: Invitae Variant Classification Sherloc (09022015). Collection method: clinical testing. Allele origin: germline.
Comment: This variant has not been reported in the literature in individuals affected with BAP1-related conditions. In summary, the available evidence is currently insufficient to determine the role of this variant in disease. Therefore, it has been classified as a Variant of Uncertain Significance. Algorithms developed to predict the effect of sequence changes on RNA splicing suggest that this variant may disrupt the consensus splice site. Advanced modeling of protein sequence and biophysical properties (such as structural, functional, and spatial information, amino acid conservation, physicochemical variation, residue mobility, and thermodynamic stability) performed at Invitae indicates that this missense variant is not expected to disrupt BAP1 protein function. This variant is not present in population databases (gnomAD no frequency). This sequence change replaces glutamic acid, which is acidic and polar, with aspartic acid, which is acidic and polar, at codon 375 of the BAP1 protein (p.Glu375Asp).